The following is an entry in ClinVar:

NM_001267550.2(TTN):c.29267_29268del (p.Leu9756fs)

Gene: TTN (titin; minus strand). Cytogenetic location: 2q31.2.
Variant type: Deletion.
Coding change: c.29267_29268del on transcript NM_001267550.2 (MANE Select); coding-DNA positions 29267 to 29268, 2 bases deleted (TG; older notation c.29267_29268delTG).
Protein change: p.Leu9756fs; shifts the reading frame from leucine 9756.
Molecular consequence: frameshift variant. On other transcripts: intron variant (3).
Genome position (GRCh38, 1-based): chr2:178,706,606-178,706,607, CA deleted on the plus strand (TG on the coding strand, the reverse complement: TTN is on the minus strand). VCF-style (leftmost placement, unchanged base first): chr2-178706605-CCA-C. GRCh37 (hg19) VCF-style: chr2-179571332-CCA-C.
Other names: c.28316_28317del, p.Leu9439fs (NM_001256850.1); c.25535_25536del, p.Leu8512fs (NM_133378.4); c.13282+31475_13282+31476del (NM_003319.4); c.13858+31475_13858+31476del (NM_133437.4); c.13657+31475_13657+31476del (NM_133432.3); short protein forms L9439fs, L8512fs, L9756fs.
Identifiers: ClinVar variation 4784196 (VCV004784196.1).

ClinVar aggregate classification (germline): Likely pathogenic (1 of 4 stars; one submission).

Conditions:
Dilated cardiomyopathy 1G (CMD1G). Identifiers: Orphanet 154, MedGen C1858763, MONDO:0011400, OMIM 604145.
Autosomal recessive limb-girdle muscular dystrophy type 2J (LGMDR10). Also called: Limb-girdle muscular dystrophy, type 2J; MUSCULAR DYSTROPHY, LIMB-GIRDLE, AUTOSOMAL RECESSIVE 10. Identifiers: Orphanet 140922, MedGen C1837342, MONDO:0012127, OMIM 608807.

Submission:

Labcorp Genetics (formerly Invitae), Labcorp
Classification: Likely pathogenic for Dilated cardiomyopathy 1G; Autosomal recessive limb-girdle muscular dystrophy type 2J. Last evaluated: 2025-02-23. Review status: criteria provided, single submitter. Criteria: Invitae Variant Classification Sherloc (09022015). Collection method: clinical testing. Allele origin: germline.
Comment: This sequence change creates a premature translational stop signal (p.Leu9756Argfs*3) in the TTN gene. While this is not anticipated to result in nonsense mediated decay, it is expected to create a truncated TTN protein. This variant is not present in population databases (gnomAD no frequency). This variant has not been reported in the literature in individuals affected with TTN-related conditions. This variant is located in the I band of TTN (PMID: 25589632). Truncating variants in this region have been reported in individuals affected with autosomal recessive centronuclear myopathy (PMID: 23975875, internal data). Truncating variants in this region have also been identified in individuals affected with autosomal dominant dilated cardiomyopathy and/or cardio-related conditions (PMID: 27869827, 32964742, internal data). In summary, the currently available evidence indicates that the variant is pathogenic, but additional data are needed to prove that conclusively. Therefore, this variant has been classified as Likely Pathogenic.

Literature cited by the submitters: PubMed 25589632; PubMed 23975875; PubMed 27869827; PubMed 32964742.